The following is an entry in ClinVar:

ClinVar aggregate classification (germline): Benign. Review status: criteria provided, multiple submitters, no conflicts (2 of 4 stars). 2 submissions from 2 submitters: Benign (2). Last evaluated 2026-02-02.

Allele frequency attached by ClinVar (database versions not stated): gnomAD exomes 0.00286 and 0.00438; ExAC 0.00466; 1000 Genomes Project 0.01098; gnomAD 0.01121 and 0.01194; TOPMed 0.01271; 1000 Genomes Project 30x 0.01359; ESP Exome Variant Server 0.01369.
gnomAD v4.1: 5,959 of 1,613,620 alleles (0.37%); highest among the groups gnomAD compares: African/African-American, 3.5%; 60 homozygotes.

Submissions (2):

Labcorp Genetics (formerly Invitae), Labcorp
Classification: Benign. Last evaluated: 2026-02-02. Review status: criteria provided, single submitter. Criteria: Invitae Variant Classification Sherloc (09022015). Collection method: clinical testing. Allele origin: germline.

GeneDx
Classification: Benign. Last evaluated: 2014-03-28. Review status: criteria provided, single submitter. Criteria: GeneDx Variant Classification (06012015). Collection method: clinical testing. Allele origin: germline. Affected: yes.
Comment: This variant is considered likely benign or benign based on one or more of the following criteria: it is a conservative change, it occurs at a poorly conserved position in the protein, it is predicted to be benign by multiple in silico algorithms, and/or has population frequency not consistent with disease.

NM_020117.11(LARS1):c.1692C>T (p.Thr564=)

Gene: LARS1 (leucyl-tRNA synthetase 1; minus strand). Cytogenetic location: 5q32.
Variant type: single nucleotide variant.
Coding change: c.1692C>T on transcript NM_020117.11 (MANE Select); coding-DNA position 1692, C replaced by T.
Protein change: p.Thr564=; no amino-acid change (threonine 564 retained).
Molecular consequence: synonymous variant.
Genome position (GRCh38, 1-based): chr5:146,144,313, G>A on the plus strand (C>T on the coding strand, the complement: LARS1 is on the minus strand). VCF-style: chr5-146144313-G-A. GRCh37 (hg19) VCF-style: chr5-145523876-G-A.
Other names: p.T564T:ACC>ACT; c.1554C>T, p.Thr518= (NM_001317964.2); c.1530C>T, p.Thr510= (NM_001317965.2); c.1611C>T, p.Thr537= (NM_016460.4).
Identifiers: ClinVar variation 138084 (VCV000138084.11), dbSNP rs114307562, ClinGen allele CA291880.